The following is an entry in ClinVar:

NM_005633.4(SOS1):c.1686G>T (p.Glu562Asp)

Gene: SOS1 (SOS Ras/Rac guanine nucleotide exchange factor 1; minus strand). Cytogenetic location: 2p22.1.
Variant type: single nucleotide variant.
Coding change: c.1686G>T on transcript NM_005633.4 (MANE Select); coding-DNA position 1686, G replaced by T.
Protein change: p.Glu562Asp; replaces glutamic acid 562 with aspartic acid.
Molecular consequence: missense variant.
Genome position (GRCh38, 1-based): chr2:39,022,742, C>A on the plus strand (G>T on the coding strand, the complement: SOS1 is on the minus strand). VCF-style: chr2-39022742-C-A. GRCh37 (hg19) VCF-style: chr2-39249883-C-A.
Other names: c.1665G>T, p.Glu555Asp (NM_001382394.1); c.1686G>T, p.Glu562Asp (NM_001382395.1); short protein forms E555D, E562D.
Identifiers: ClinVar variation 1499402 (VCV001499402.15), dbSNP rs199778219, ClinGen allele CA346365618.

ClinVar aggregate classification (germline): Uncertain significance. Review status: criteria provided, multiple submitters, no conflicts (2 of 4 stars). 5 submissions from 4 submitters: Uncertain significance (5). Last evaluated 2025-08-28.

Conditions:
RASopathy. Also called: rasopathies; Noonan spectrum disorder. Identifiers: Orphanet 536391, MedGen C5555857, MONDO:0021060.
Fibromatosis, gingival, 1 (GINGF1). Identifiers: Orphanet 2024, MedGen C4551558, MONDO:0007609, OMIM 135300.
Noonan syndrome 4 (NS4). Also called: SOS1-Related Noonan Syndrome; NOONAN SYNDROME WITH PIGMENTED VILLONODULAR SYNOVITIS. Identifiers: Orphanet 648, MedGen C1853120, MONDO:0012547, OMIM 610733.
Cardiovascular phenotype. Identifiers: MedGen CN230736.

Submissions (5):

Ambry Genetics
Classification: Uncertain significance for Cardiovascular phenotype. Last evaluated: 2025-08-28. Review status: criteria provided, single submitter. Criteria: Ambry Variant Classification Scheme 2023. Collection method: clinical testing. Allele origin: germline.
Comment: The p.E562D variant (also known as c.1686G>T), located in coding exon 10 of the SOS1 gene, results from a G to T substitution at nucleotide position 1686. The glutamic acid at codon 562 is replaced by aspartic acid, an amino acid with highly similar properties. This amino acid position is conserved. In addition, the in silico prediction for this alteration is inconclusive. Since supporting evidence is limited at this time, the clinical significance of this alteration remains unclear.

Labcorp Genetics (formerly Invitae), Labcorp
Classification: Uncertain significance for RASopathy. Last evaluated: 2024-12-09. Review status: criteria provided, single submitter. Criteria: Invitae Variant Classification Sherloc (09022015). Collection method: clinical testing. Allele origin: germline.
Comment: This sequence change replaces glutamic acid, which is acidic and polar, with aspartic acid, which is acidic and polar, at codon 562 of the SOS1 protein (p.Glu562Asp). This variant is not present in population databases (gnomAD no frequency). This variant has not been reported in the literature in individuals affected with SOS1-related conditions. ClinVar contains an entry for this variant (Variation ID: 1499402). Invitae Evidence Modeling of protein sequence and biophysical properties (such as structural, functional, and spatial information, amino acid conservation, physicochemical variation, residue mobility, and thermodynamic stability) has been performed for this missense variant. However, the output from this modeling did not meet the statistical confidence thresholds required to predict the impact of this variant on SOS1 protein function. In summary, the available evidence is currently insufficient to determine the role of this variant in disease. Therefore, it has been classified as a Variant of Uncertain Significance.

GeneDx
Classification: Uncertain significance. Last evaluated: 2024-07-24. Review status: criteria provided, single submitter. Criteria: GeneDx Variant Classification Process June 2021. Collection method: clinical testing. Allele origin: germline. Affected: yes.
Comment: Not observed at significant frequency in large population cohorts (gnomAD); In silico analysis indicates that this missense variant does not alter protein structure/function; Missense variants in this gene are often considered pathogenic (HGMD); Has not been previously published as pathogenic or benign to our knowledge; This variant is associated with the following publications: (PMID: 29493581)

Genome-Nilou Lab
Classification: Uncertain significance for Noonan syndrome 4. Review status: criteria provided, single submitter. Criteria: ACMG Guidelines, 2015. Collection method: clinical testing. Allele origin: germline.

Genome-Nilou Lab
Classification: Uncertain significance for Fibromatosis, gingival, 1. Review status: criteria provided, single submitter. Criteria: ACMG Guidelines, 2015. Collection method: clinical testing. Allele origin: germline.